The following is an entry in ClinVar:

NM_004985.5(KRAS):c.*1615_*1617del

Gene: KRAS (KRas proto-oncogene, GTPase; minus strand). Cytogenetic location: 12p12.1.
Variant type: Deletion.
Coding change: c.*1615_*1617del on transcript NM_004985.5 (MANE Select); 1615 bases downstream of the stop codon through 1617 bases downstream of the stop codon, 3 bases deleted (GTT; older notation c.*1615_*1617delGTT).
Molecular consequence: 3 prime UTR variant.
Genome position (GRCh38, 1-based): chr12:25,208,178-25,208,180, AAC deleted on the plus strand (GTT on the coding strand, the reverse complement: KRAS is on the minus strand). VCF-style (leftmost placement, unchanged base first): chr12-25208177-AAAC-A. GRCh37 (hg19) VCF-style: chr12-25361111-AAAC-A.
Other names: c.*1736_*1738del (NM_001369786.1, NM_033360.4); c.*1615_*1617del (NM_001369787.1).
Identifiers: ClinVar variation 4886330 (VCV004886330.2).

ClinVar aggregate classification (germline): Uncertain significance (1 of 4 stars; one submission).

Submission:

Dasa
Classification: Uncertain significance. Last evaluated: 2025-12-30. Review status: criteria provided, single submitter. Criteria: DASA Assertion Criteria. Collection method: clinical testing. Allele origin: germline.
Comment: NM_004985.5(KRAS):c.*1615_*1617del is a sequence variant. This variant is rare in population databases. The currently available literature and clinical evidence are not sufficient to establish a definitive association between this variant and the reported condition. Therefore, this variant is classified as a variant of uncertain significance.